The following is an entry in ClinVar:

ClinVar aggregate classification (germline): Uncertain significance. Review status: reviewed by expert panel (3 of 4 stars). 2 submissions from 2 submitters: Uncertain significance (1). 1 of the submissions does not count toward it. Last evaluated 2026-05-19.

Conditions:
PIK3R1-related immunodeficiency and SHORT syndrome. Identifiers: MedGen CN379774, MONDO:1060136.
Immunodeficiency 36 with lymphoproliferation. Also called: ACTIVATED PI3K-DELTA SYNDROME 2; Immunodeficiency 36; Activated PI3K Delta Syndrome Type 2 (APDS2). Identifiers: Orphanet 397596, Orphanet 693681, MedGen C4014934, MONDO:0014453, OMIM 616005.
Agammaglobulinemia 7, autosomal recessive (AGM7). Also called: AGAMMAGLOBULINEMIA, AUTOSOMAL RECESSIVE, DUE TO PIK3R1 DEFECT. Identifiers: MedGen C3554689, MONDO:0014083, OMIM 615214.
SHORT syndrome. Also called: PIK3R1-Related SHORT Syndrome; SHORT STATURE, HYPEREXTENSIBILITY, HERNIA, OCULAR DEPRESSION, RIEGER ANOMALY, AND TEETHING DELAY; LIPODYSTROPHY, PARTIAL, WITH RIEGER ANOMALY AND SHORT STATURE. Identifiers: Orphanet 3163, MedGen C0878684, MONDO:0010026, OMIM 269880.

Allele frequency attached by ClinVar (database versions not stated): TOPMed below 0.00001; gnomAD 0.00001; gnomAD exomes 0.00001.
gnomAD v4.1: 11 of 1,567,626 alleles (0.0007%); highest among the groups gnomAD compares: African/African-American, 0.0055%; no homozygotes.

Submissions (2):

ClinGen Primary Immune Regulatory Disorders Variant Curation Expert Panel, ClinGen
Classification: Uncertain significance for PIK3R1-related immunodeficiency and SHORT syndrome. Last evaluated: 2026-05-19. Review status: reviewed by expert panel. Criteria: ClinGen AbDef ACMG Specifications PIK3R1 V1.0.0. Collection method: curation. Allele origin: germline. Inheritance: Autosomal dominant inheritance.
Comment: NM_181523.3(PIK3R1):c.1415G>A (p.Arg472His) is a missense variant causing substitution of arginine by histidine at amino acid 472. This variant is present in gnomAD v4.1.0 at a total allele frequency of 0.000007017, with 11 alleles / 1,567,626 total alleles across all populations of gnomAD, which is higher than the ClinGen Antibody Deficiencies PM2_Supporting threshold of <0.00000132. This variant is present in gnomAD v4.1.0 at a GrpMax allele frequency of 0.00001788, with 4 alleles / 72,502 total alleles in the African/African-American population, which is lower than the ClinGen Antibody Deficiencies VCEP BS1 threshold of >0.000316, so no population code is met. This variant has been reported in 1 ClinVar submission as a VUS, but it is not clear whether the reporting lab has an affected patient harboring the variant, so PS4_Supporting was not met (0 total points, ClinVar Accession #: SCV004577025.2). The computational predictor REVEL gives a score of 0.561, which is below the ClinGen Antibody Deficiencies VCEP threshold of >0.644 and does not predict a damaging effect on PIK3R1 function. The computational predictor CADD gives a PHRED score of 34.0, which is above the ClinGen Antibody Deficiencies VCEP threshold of <20 and predicts a deleterious effect on PIK3R1 function. Because the two predictors do not agree on a non-damaging effect, PP3 is not met. The splicing impact predictor SpliceAI gives a score of 0.00 for all splicing events, which is below the ClinGen Antibody Deficiencies VCEP recommended threshold of <0.1 and does not predict an impact on splicing. In summary, this variant meets the criteria to be classified as a variant of uncertain significance for autosomal dominant PIK3R1-related immunodeficiency and SHORT syndrome based on the ACMG/AMP criteria applied, as specified by the ClinGen Antibody Deficiencies VCEP: None. (VCEP specifications version 1.0.0; date of approval 04/29/2026).

Labcorp Genetics (formerly Invitae), Labcorp
Classification: Uncertain significance for SHORT syndrome; Immunodeficiency 36 with lymphoproliferation; Agammaglobulinemia 7, autosomal recessive. Last evaluated: 2025-10-07. Review status: criteria provided, single submitter. Criteria: Invitae Variant Classification Sherloc (09022015). Collection method: clinical testing. Allele origin: germline. Not counted in ClinVar's aggregate classification.
Comment: This sequence change replaces arginine, which is basic and polar, with histidine, which is basic and polar, at codon 472 of the PIK3R1 protein (p.Arg472His). The frequency data for this variant in the population databases is considered unreliable, as metrics indicate poor data quality at this position in the gnomAD database. This variant has not been reported in the literature in individuals affected with PIK3R1-related conditions. ClinVar contains an entry for this variant (Variation ID: 2930599). Invitae Evidence Modeling of protein sequence and biophysical properties (such as structural, functional, and spatial information, amino acid conservation, physicochemical variation, residue mobility, and thermodynamic stability) indicates that this missense variant is not expected to disrupt PIK3R1 protein function with a negative predictive value of 80%. In summary, the available evidence is currently insufficient to determine the role of this variant in disease. Therefore, it has been classified as a Variant of Uncertain Significance.

NM_181523.3(PIK3R1):c.1415G>A (p.Arg472His)

Gene: PIK3R1 (phosphoinositide-3-kinase regulatory subunit 1; plus strand). Cytogenetic location: 5q13.1.
Variant type: single nucleotide variant.
Coding change: c.1415G>A on transcript NM_181523.3 (MANE Select); coding-DNA position 1415, G replaced by A.
Protein change: p.Arg472His; replaces arginine 472 with histidine.
Molecular consequence: missense variant.
Genome position (GRCh38, 1-based): chr5:68,293,824, G>A. VCF-style: chr5-68293824-G-A. GRCh37 (hg19) VCF-style: chr5-67589652-G-A.
Other names: NM_181523.3(PIK3R1):c.1415G>A; p.Arg472His; c.326G>A, p.Arg109His (NM_001242466.2); c.605G>A, p.Arg202His (NM_181504.4); c.515G>A, p.Arg172His (NM_181524.2); short protein forms R202H, R109H, R472H, R172H.
Identifiers: ClinVar variation 2930599 (VCV002930599.4), dbSNP rs1383740979, ClinGen allele CA359880470.